The following is an entry in ClinVar:

ClinVar aggregate classification (germline): Uncertain significance (1 of 4 stars; one submission).

gnomAD v4.1: 110 of 1,613,976 alleles (0.0068%); highest among the groups gnomAD compares: Non-Finnish European, 0.0089%; 1 homozygote.

Submission:

Labcorp Genetics (formerly Invitae), Labcorp
Classification: Uncertain significance. Last evaluated: 2025-04-22. Review status: criteria provided, single submitter. Criteria: Invitae Variant Classification Sherloc (09022015). Collection method: clinical testing. Allele origin: germline.
Comment: This sequence change replaces arginine, which is basic and polar, with glutamine, which is neutral and polar, at codon 48 of the KLB protein (p.Arg48Gln). This variant is present in population databases (rs201593870, gnomAD 0.008%). This variant has not been reported in the literature in individuals affected with KLB-related conditions. Invitae Evidence Modeling of protein sequence and biophysical properties (such as structural, functional, and spatial information, amino acid conservation, physicochemical variation, residue mobility, and thermodynamic stability) indicates that this missense variant is not expected to disrupt KLB protein function with a negative predictive value of 80%. In summary, the available evidence is currently insufficient to determine the role of this variant in disease. Therefore, it has been classified as a Variant of Uncertain Significance.

NM_175737.4(KLB):c.143G>A (p.Arg48Gln)

Gene: KLB (klotho beta; plus strand). Cytogenetic location: 4p14.
Variant type: single nucleotide variant.
Coding change: c.143G>A on transcript NM_175737.4 (MANE Select); coding-DNA position 143, G replaced by A.
Protein change: p.Arg48Gln; replaces arginine 48 with glutamine.
Molecular consequence: missense variant.
Genome position (GRCh38, 1-based): chr4:39,407,092, G>A. VCF-style: chr4-39407092-G-A. GRCh37 (hg19) VCF-style: chr4-39408712-G-A.
Other names: short protein forms R48Q.
Identifiers: ClinVar variation 4749355 (VCV004749355.1).